The following is an entry in ClinVar:

NM_005359.6(SMAD4):c.315C>T (p.His105=)

Gene: SMAD4 (SMAD family member 4; plus strand). Cytogenetic location: 18q21.2.
Variant type: single nucleotide variant.
Coding change: c.315C>T on transcript NM_005359.6 (MANE Select); coding-DNA position 315, C replaced by T.
Protein change: p.His105=; no amino-acid change (histidine 105 retained).
Molecular consequence: synonymous variant.
Genome position (GRCh38, 1-based): chr18:51,048,751, C>T. VCF-style: chr18-51048751-C-T. GRCh37 (hg19) VCF-style: chr18-48575121-C-T.
Identifiers: ClinVar variation 486449 (VCV000486449.8), dbSNP rs1555685161, ClinGen allele CA503873576.

ClinVar aggregate classification (germline): Benign/Likely benign. Review status: criteria provided, multiple submitters, no conflicts (2 of 4 stars). 3 submissions from 3 submitters: Benign (1); Likely benign (2). Last evaluated 2025-03-18.

Conditions:
Hereditary cancer-predisposing syndrome. Also called: Hereditary neoplastic syndrome; Tumor predisposition; Neoplastic Syndromes, Hereditary; Hereditary Cancer Syndrome. Identifiers: Orphanet 140162, MedGen C0027672, MeSH D009386, MONDO:0015356.
Familial thoracic aortic aneurysm and aortic dissection (TAAD). Also called: Thoracic aortic aneurysms and dissections. Identifiers: Orphanet 91387, MedGen C4707243, MONDO:0019625.
Juvenile polyposis/hereditary hemorrhagic telangiectasia syndrome (JPHT). Also called: Juvenile Polyposis Syndrome / Hereditary Hemorrhagic Telangiectasia (JPS/HHT); JP/HHT SYNDROME; JUVENILE POLYPOSIS WITH HEREDITARY HEMORRHAGIC TELANGIECTASIA; POLYPOSIS, GENERALIZED JUVENILE, WITH PULMONARY ARTERIOVENOUS MALFORMATION; TELANGIECTASIA, HEREDITARY HEMORRHAGIC, WITH JUVENILE POLYPOSIS COLI. Identifiers: Orphanet 2929, MedGen C1832942, MONDO:0008278, OMIM 175050.

Submissions (3):

Myriad Genetics, Inc.
Classification: Benign for Juvenile polyposis/hereditary hemorrhagic telangiectasia syndrome. Last evaluated: 2025-03-18. Review status: criteria provided, single submitter. Criteria: Myriad Autosomal Dominant, Autosomal Recessive and X-Linked Classification Criteria (2023). Collection method: clinical testing. Allele origin: unknown.
Comment: This variant is considered benign. This variant is a silent/synonymous amino acid change, and it is not expected to impact splicing.

Color Diagnostics, LLC DBA Color Health
Classification: Likely benign for Hereditary cancer-predisposing syndrome. Last evaluated: 2019-06-07. Review status: criteria provided, single submitter. Criteria: ACMG Guidelines, 2015. Collection method: clinical testing. Allele origin: germline.

Ambry Genetics
Classification: Likely benign for Hereditary cancer-predisposing syndrome; Familial thoracic aortic aneurysm and aortic dissection. Last evaluated: 2016-08-08. Review status: criteria provided, single submitter. Criteria: Ambry Variant Classification Scheme 2023. Collection method: clinical testing. Allele origin: germline.